The following is an entry in ClinVar:

ClinVar aggregate classification (germline): Uncertain significance (1 of 4 stars; one submission).

Conditions:
Developmental and epileptic encephalopathy, 31A. Also called: Developmental and epileptic encephalopathy, 31; Epileptic encephalopathy, early infantile, 31. Identifiers: Orphanet 2382, MedGen C4225357, MONDO:0014598, OMIM 616346.

gnomAD v4.1: 2 of 1,613,340 alleles (0.00012%); highest among the groups gnomAD compares: Non-Finnish European, 0.00017%; no homozygotes.

Submission:

Labcorp Genetics (formerly Invitae), Labcorp
Classification: Uncertain significance for Developmental and epileptic encephalopathy, 31A. Last evaluated: 2024-12-28. Review status: criteria provided, single submitter. Criteria: Invitae Variant Classification Sherloc (09022015). Collection method: clinical testing. Allele origin: germline.
Comment: This sequence change replaces glutamic acid, which is acidic and polar, with lysine, which is basic and polar, at codon 638 of the DNM1 protein (p.Glu638Lys). This variant is not present in population databases (gnomAD no frequency). This variant has not been reported in the literature in individuals affected with DNM1-related conditions. Invitae Evidence Modeling of protein sequence and biophysical properties (such as structural, functional, and spatial information, amino acid conservation, physicochemical variation, residue mobility, and thermodynamic stability) indicates that this missense variant is not expected to disrupt DNM1 protein function with a negative predictive value of 95%. In summary, the available evidence is currently insufficient to determine the role of this variant in disease. Therefore, it has been classified as a Variant of Uncertain Significance.

NM_004408.4(DNM1):c.1912G>A (p.Glu638Lys)

Gene: DNM1 (dynamin 1; plus strand). Cytogenetic location: 9q34.11.
Variant type: single nucleotide variant.
Coding change: c.1912G>A on transcript NM_004408.4 (MANE Select); coding-DNA position 1912, G replaced by A.
Protein change: p.Glu638Lys; replaces glutamic acid 638 with lysine.
Molecular consequence: missense variant.
Genome position (GRCh38, 1-based): chr9:128,248,589, G>A. VCF-style: chr9-128248589-G-A. GRCh37 (hg19) VCF-style: chr9-131010868-G-A.
Other names: c.1912G>A, p.Glu638Lys (NM_001005336.3, NM_001288737.2, NM_001288738.2 and 2 more transcripts); short protein forms E638K.
Identifiers: ClinVar variation 3669224 (VCV003669224.2).